The following is an entry in ClinVar:

ClinVar aggregate classification (germline): Benign/Likely benign. Review status: criteria provided, multiple submitters, no conflicts (2 of 4 stars). 11 submissions from 11 submitters: Benign (8); Likely benign (3). Last evaluated 2026-02-02.

Conditions:
Ehlers-Danlos syndrome (EDS). Identifiers: Orphanet 98249, MedGen C0013720, MONDO:0020066.
Ehlers-Danlos syndrome, kyphoscoliotic type 1 (EDSKSCL1). Also called: EHLERS-DANLOS SYNDROME, TYPE VIA; EHLERS-DANLOS SYNDROME, OCULAR-SCOLIOTIC TYPE; PLOD1-Related Kyphoscoliotic Ehlers-Danlos Syndrome; Ehlers-Danlos syndrome, hydroxylysine-deficient. Identifiers: Orphanet 1900, MedGen C0268342, MONDO:0016002, OMIM 225400. Disease mechanism: loss of function.
Familial thoracic aortic aneurysm and aortic dissection (TAAD). Also called: Thoracic aortic aneurysms and dissections. Identifiers: Orphanet 91387, MedGen C4707243, MONDO:0019625.

Allele frequency attached by ClinVar (database versions not stated): gnomAD exomes 0.00196 and 0.00494; ExAC 0.00623; gnomAD 0.01764 and 0.01887; TOPMed 0.01979; 1000 Genomes Project 0.02077; ESP Exome Variant Server 0.02253; 1000 Genomes Project 30x 0.02280.
gnomAD v4.1: 5,679 of 1,614,034 alleles (0.35%); highest among the groups gnomAD compares: African/African-American, 6.1%; 168 homozygotes.

Submissions (11):

Labcorp Genetics (formerly Invitae), Labcorp
Classification: Benign for Ehlers-Danlos syndrome, kyphoscoliotic type 1. Last evaluated: 2026-02-02. Review status: criteria provided, single submitter. Criteria: Invitae Variant Classification Sherloc (09022015). Collection method: clinical testing. Allele origin: germline.

ARUP Laboratories, Molecular Genetics and Genomics, ARUP Laboratories
Classification: Benign for Ehlers-Danlos syndrome, kyphoscoliotic type 1. Last evaluated: 2025-06-16. Review status: criteria provided, single submitter. Criteria: ARUP Molecular Germline Variant Investigation Process 2024. Collection method: clinical testing. Allele origin: germline.

Molecular Diagnostic Laboratory for Inherited Cardiovascular Disease, Montreal Heart Institute
Classification: Benign. Last evaluated: 2025-04-09. Review status: criteria provided, single submitter. Criteria: ACMG Guidelines, 2015. Collection method: clinical testing. Allele origin: germline. Affected: no.

Blueprint Genetics
Classification: Likely benign. Last evaluated: 2024-11-21. Review status: criteria provided, single submitter. Criteria: ACMG Guidelines, 2015. Collection method: clinical testing. Allele origin: germline.

Women's Health and Genetics/Laboratory Corporation of America, LabCorp
Classification: Benign. Last evaluated: 2023-07-21. Review status: criteria provided, single submitter. Criteria: LabCorp Variant Classification Summary - May 2015. Collection method: clinical testing. Allele origin: germline.

Genome Diagnostics Laboratory, The Hospital for Sick Children
Classification: Benign for Ehlers-Danlos syndrome. Last evaluated: 2020-12-21. Review status: criteria provided, single submitter. Criteria: ACMG Guidelines, 2015. Collection method: clinical testing. Allele origin: germline.

Mayo Clinic Laboratories, Mayo Clinic
Classification: Benign. Last evaluated: 2020-06-03. Review status: criteria provided, single submitter. Criteria: ACMG Guidelines, 2015. Collection method: clinical testing. Allele origin: germline. Observed: 24 variant alleles.

Illumina Laboratory Services, Illumina
Classification: Likely benign for Ehlers-Danlos syndrome, kyphoscoliotic type 1. Last evaluated: 2017-04-28. Review status: criteria provided, single submitter. Criteria: ICSL Variant Classification Criteria 13 December 2019. Collection method: clinical testing. Allele origin: germline.
Comment: This variant was observed as part of a predisposition screen in an ostensibly healthy population. A literature search was performed for the gene, cDNA change, and amino acid change (where applicable). No publications were found based on this search. Allele frequency data from public databases allowed determination this variant is unlikely to cause disease. Therefore, this variant is classified as likely benign.

GeneDx
Classification: Benign. Last evaluated: 2016-12-21. Review status: criteria provided, single submitter. Criteria: GeneDx Variant Classification (06012015). Collection method: clinical testing. Allele origin: germline. Affected: yes.
Comment: This variant is considered likely benign or benign based on one or more of the following criteria: it is a conservative change, it occurs at a poorly conserved position in the protein, it is predicted to be benign by multiple in silico algorithms, and/or has population frequency not consistent with disease.

Ambry Genetics
Classification: Benign for Familial thoracic aortic aneurysm and aortic dissection. Last evaluated: 2015-04-20. Review status: criteria provided, single submitter. Criteria: Ambry Variant Classification Scheme 2023. Collection method: clinical testing. Allele origin: germline.

Breakthrough Genomics
Classification: Likely benign. Review status: criteria provided, single submitter. Criteria: ACMG Guidelines, 2015. Collection method: not provided. Allele origin: germline. Inheritance: Autosomal recessive inheritance. Affected: yes.

NM_000302.4(PLOD1):c.540G>A (p.Gln180=)

Gene: PLOD1 (procollagen-lysine,2-oxoglutarate 5-dioxygenase 1; plus strand). Cytogenetic location: 1p36.22.
Variant type: single nucleotide variant.
Coding change: c.540G>A on transcript NM_000302.4 (MANE Select); coding-DNA position 540, G replaced by A.
Protein change: p.Gln180=; no amino-acid change (glutamine 180 retained).
Molecular consequence: synonymous variant.
Genome position (GRCh38, 1-based): chr1:11,952,696, G>A. VCF-style: chr1-11952696-G-A. GRCh37 (hg19) VCF-style: chr1-12012753-G-A.
Other names: p.Gln180=; c.681G>A, p.Gln227= (NM_001316320.2).
Identifiers: ClinVar variation 292283 (VCV000292283.71), dbSNP rs35958757, ClinGen allele CA597935.